The following is an entry in ClinVar:

ClinVar aggregate classification (germline): Conflicting classifications of pathogenicity. Review status: criteria provided, conflicting classifications (1 of 4 stars). 2 submissions from 2 submitters: Likely pathogenic (1); Uncertain significance (1). Last evaluated 2025-04-15.

Conditions:
Autosomal recessive ANO5-related disorders.

gnomAD v4.1: 1 of 1,613,110 alleles (0.000062%); highest among the groups gnomAD compares: South Asian, 0.0011%; no homozygotes.

Submissions (2):

Variantyx, Inc.
Classification: Likely pathogenic for Autosomal recessive ANO5-related disorders. Last evaluated: 2025-04-15. Review status: criteria provided, single submitter. Criteria: Variantyx Assertion Criteria 2022. Collection method: clinical testing. Allele origin: germline. Inheritance: Autosomal recessive inheritance. Affected: yes.
Comment: This is a canonical splicing variant in the ANO5 gene (OMIM: 608662). Pathogenic variants in this gene have been associated with autosomal recessive ANO5-related disorders. The clinical symptoms reported for this individual are highly specific for autosomal recessive ANO5-related disorders, which has a limited genetic etiology (PP4). An alternate change at the same splice site (NM_213599.3: c.2030-2A>T) has been previously reported as likely pathogenic (PS1_Supporting) and algorithms that predict the potential impact of sequence variants on RNA splicing suggest that this variant may disrupt normal splicing (PP3). This variant has a 0.0012% maximum allele frequency in non-founder control populations (PM2). Based on the current evidence, this variant is classified as likely pathogenic for autosomal recessive ANO5-related disorders.

Eurofins Ntd Llc (ga)
Classification: Uncertain significance. Last evaluated: 2016-05-06. Review status: criteria provided, single submitter. Criteria: EGL Classification Definitions 2015. Collection method: clinical testing. Allele origin: germline. Observed: 1 variant allele, 1 heterozygote.

NM_213599.3(ANO5):c.2030-3C>G

Gene: ANO5 (anoctamin 5; plus strand). Cytogenetic location: 11p14.3.
Variant type: single nucleotide variant.
Coding change: c.2030-3C>G on transcript NM_213599.3 (MANE Select); 3 bases into the intron before coding-DNA position 2030, C replaced by G.
Molecular consequence: intron variant.
Genome position (GRCh38, 1-based): chr11:22,272,781, C>G. VCF-style: chr11-22272781-C-G. GRCh37 (hg19) VCF-style: chr11-22294327-C-G.
Other names: c.2027-3C>G (NM_001142649.2).
Identifiers: ClinVar variation 288006 (VCV000288006.5), dbSNP rs752534913, ClinGen allele CA10605940.